The following is an entry in ClinVar:

NM_000503.6(EYA1):c.415T>C (p.Tyr139His)

Gene: EYA1 (EYA transcriptional coactivator and phosphatase 1; minus strand). Cytogenetic location: 8q13.3.
Variant type: single nucleotide variant.
Coding change: c.415T>C on transcript NM_000503.6 (MANE Select); coding-DNA position 415, T replaced by C.
Protein change: p.Tyr139His; replaces tyrosine 139 with histidine.
Molecular consequence: missense variant.
Genome position (GRCh38, 1-based): chr8:71,321,737, A>G on the plus strand (T>C on the coding strand, the complement: EYA1 is on the minus strand). VCF-style: chr8-71321737-A-G. GRCh37 (hg19) VCF-style: chr8-72233972-A-G.
Other names: c.412T>C, p.Tyr138His (NM_001288574.2); c.64T>C, p.Tyr22His (NM_001288575.2); c.502T>C, p.Tyr168His (NM_001370333.1, NM_172059.5); c.415T>C, p.Tyr139His (NM_001370334.1, NM_001370335.1, NM_172058.4); c.499T>C, p.Tyr167His (NM_001370336.1); short protein forms Y138H, Y139H, Y167H, Y168H, Y22H.
Identifiers: ClinVar variation 689446 (VCV000689446.1), dbSNP rs763614581, ClinGen allele CA371468408.
Genomic context (GRCh38, chr8:71,321,737, plus strand): 5'-TGTTAATACACGCATGCCCATGCGATAACGCCACCACTACAGTTGCAGGTTACTCACCAT[A>G]TGAGGAAATGCCGTACGGCTGTCCTGGCTGTGGGTACGTGGCATAGGCTGTAGCTTGTTG-3'
Protein context (NP_000494.2, residues 129-149): QPGQPYGISS[Tyr139His]GALWAGIKTE

ClinVar aggregate classification (germline): Uncertain significance (1 of 4 stars; one submission).

Conditions:
Branchiootic syndrome 1 (BOS1). Also called: BO SYNDROME 1; BRANCHIOOTIC DYSPLASIA. Identifiers: MedGen C1865143, MONDO:0011258, OMIM 602588.

gnomAD v4.1: 2 of 1,614,094 alleles (0.00012%); highest among the groups gnomAD compares: Non-Finnish European, 0.00017%; no homozygotes.

Submission:

Johns Hopkins Genomics, Johns Hopkins University
Classification: Uncertain significance for Branchiootic syndrome 1. Last evaluated: 2019-04-17. Review status: criteria provided, single submitter. Criteria: ACMG Guidelines, 2015. Collection method: clinical testing. Allele origin: germline.
Comment: This EYA1 variant (rs763614581) is rare (<0.1%) in large population datasets (gnomAD: 1/250906 total alleles; 0.0003986%; no homozygotes). Additionally, c.415T>C has not been reported in ClinVar nor the literature, to our knowledge. Two bioinformatic tools queried predict that this substitution would be damaging, and the tyrosine residue at this position is evolutionarily conserved across all species assessed. Bioinformatic analysis predicts that this missense variant would not affect normal exon 6 splicing, although this has not been confirmed experimentally to our knowledge. The clinical significance of c.415T>C (p.Tyr139His) is uncertain at this time.